The following is an entry in ClinVar:

ClinVar aggregate classification (germline): Conflicting classifications of pathogenicity. Review status: criteria provided, conflicting classifications (1 of 4 stars). 2 submissions from 2 submitters: Uncertain significance (1); Likely benign (1). Last evaluated 2024-04-01.

Allele frequency attached by ClinVar (database versions not stated): TOPMed below 0.00001; ExAC 0.00001; gnomAD 0.00001.
gnomAD v4.1: 11 of 1,614,020 alleles (0.00068%); highest among the groups gnomAD compares: Middle Eastern, 0.016%; no homozygotes.

Submissions (2):

CeGaT Center for Human Genetics Tuebingen
Classification: Likely benign. Last evaluated: 2024-04-01. Review status: criteria provided, single submitter. Criteria: CeGaT Center For Human Genetics Tuebingen Variant Classification Criteria Version 2. Collection method: clinical testing. Allele origin: germline. Affected: yes. Observed: 1 variant allele.
Comment: NOTCH3: BP4

Blueprint Genetics
Classification: Uncertain significance. Last evaluated: 2018-10-11. Review status: criteria provided, single submitter. Criteria: ACMG Guidelines, 2015. Collection method: clinical testing. Allele origin: germline.

NM_000435.3(NOTCH3):c.6932C>T (p.Pro2311Leu)

Gene: NOTCH3 (notch receptor 3; minus strand). Cytogenetic location: 19p13.12.
Variant type: single nucleotide variant.
Coding change: c.6932C>T on transcript NM_000435.3 (MANE Select); coding-DNA position 6932, C replaced by T.
Protein change: p.Pro2311Leu; replaces proline 2311 with leucine.
Molecular consequence: missense variant.
Genome position (GRCh38, 1-based): chr19:15,160,696, G>A on the plus strand (C>T on the coding strand, the complement: NOTCH3 is on the minus strand). VCF-style: chr19-15160696-G-A. GRCh37 (hg19) VCF-style: chr19-15271507-G-A.
Other names: short protein forms P2311L.
Identifiers: ClinVar variation 3234405 (VCV003234405.21), dbSNP rs771682246, ClinGen allele CA9262270.